The following is an entry in ClinVar:

ClinVar aggregate classification (germline): Uncertain significance. Review status: criteria provided, multiple submitters, no conflicts (2 of 4 stars). 2 submissions from 2 submitters: Uncertain significance (2). Last evaluated 2025-10-21.

Conditions:
TNFSF12-related disorder. Also called: TNFSF12-related condition.
Common variable immunodeficiency (CVID). Also called: Common variable hypogamma-globulinemia; Common variable agammaglobulinemia. Identifiers: Orphanet 1572, MedGen C0009447, MONDO:0015517.

Allele frequency attached by ClinVar (database versions not stated): ExAC 0.00001; gnomAD 0.00001; TOPMed 0.00001; gnomAD exomes 0.00002.
gnomAD v4.1: 22 of 1,519,300 alleles (0.0014%); highest among the groups gnomAD compares: Non-Finnish European, 0.0018%; no homozygotes.

Submissions (2):

Labcorp Genetics (formerly Invitae), Labcorp
Classification: Uncertain significance for Common variable immunodeficiency. Last evaluated: 2025-10-21. Review status: criteria provided, single submitter. Criteria: Invitae Variant Classification Sherloc (09022015). Collection method: clinical testing. Allele origin: germline.
Comment: This sequence change replaces glycine, which is neutral and non-polar, with aspartic acid, which is acidic and polar, at codon 125 of the TNFSF12 protein (p.Gly125Asp). This variant is present in population databases (rs765689290, gnomAD 0.004%). This variant has not been reported in the literature in individuals affected with TNFSF12-related conditions. ClinVar contains an entry for this variant (Variation ID: 1427958). An algorithm developed to predict the effect of missense changes on protein structure and function (PolyPhen-2) suggests that this variant is likely to be disruptive. Algorithms developed to predict the effect of sequence changes on RNA splicing suggest that this variant may disrupt the consensus splice site. In summary, the available evidence is currently insufficient to determine the role of this variant in disease. Therefore, it has been classified as a Variant of Uncertain Significance.

PreventionGenetics, part of Exact Sciences
Classification: Uncertain significance for TNFSF12-related condition. Last evaluated: 2022-09-26. Review status: criteria provided, single submitter. Criteria: ACMG Guidelines, 2015. Collection method: clinical testing. Allele origin: germline.
Comment: The TNFSF12 c.374G>A variant is predicted to result in the amino acid substitution p.Gly125Asp. To our knowledge, this variant has not been reported in the literature. This variant is reported in 0.0039% of alleles in individuals of European (Non-Finnish) descent in gnomAD. At this time, the clinical significance of this variant is uncertain due to the absence of conclusive functional and genetic evidence.

NM_003809.3(TNFSF12):c.374G>A (p.Gly125Asp)

Genes: TNFSF12-TNFSF13 (TNFSF12-TNFSF13 readthrough; plus strand), TNFSF12 (TNF superfamily member 12; plus strand). Cytogenetic location: 17p13.1.
Variant type: single nucleotide variant.
Coding change: c.374G>A on transcript NM_003809.3 (MANE Select); coding-DNA position 374, G replaced by A.
Protein change: p.Gly125Asp; replaces glycine 125 with aspartic acid.
Molecular consequence: missense variant. On other transcripts: non-coding transcript variant (1).
Genome position (GRCh38, 1-based): chr17:7,556,778, G>A. VCF-style: chr17-7556778-G-A. GRCh37 (hg19) VCF-style: chr17-7460095-G-A.
Other names: c.374G>A, p.Gly125Asp (NM_172089.4); short protein forms G125D.
Identifiers: ClinVar variation 1427958 (VCV001427958.7), dbSNP rs765689290, ClinGen allele CA8350818.